The following is an entry in ClinVar:

NM_016816.4(OAS1):c.389G>A (p.Arg130His)

Gene: OAS1 (2'-5'-oligoadenylate synthetase 1; plus strand). Cytogenetic location: 12q24.13.
Variant type: single nucleotide variant.
Coding change: c.389G>A on transcript NM_016816.4 (MANE Select); coding-DNA position 389, G replaced by A.
Protein change: p.Arg130His; replaces arginine 130 with histidine.
Molecular consequence: missense variant.
Genome position (GRCh38, 1-based): chr12:112,908,744, G>A. VCF-style: chr12-112908744-G-A. GRCh37 (hg19) VCF-style: chr12-113346549-G-A.
Other names: c.389G>A, p.Arg130His (NM_001032409.3, NM_001320151.2, NM_002534.4); short protein forms R130H.
Identifiers: ClinVar variation 1385361 (VCV001385361.6), dbSNP rs1021340095, ClinGen allele CA243746784.

ClinVar aggregate classification (germline): Uncertain significance (1 of 4 stars; one submission).

Allele frequency attached by ClinVar (database versions not stated): gnomAD exomes 0.00001; TOPMed 0.00001.
gnomAD v4.1: 10 of 1,614,194 alleles (0.00062%); highest among the groups gnomAD compares: South Asian, 0.0044%; 1 homozygote.

Submission:

Labcorp Genetics (formerly Invitae), Labcorp
Classification: Uncertain significance. Last evaluated: 2025-10-09. Review status: criteria provided, single submitter. Criteria: Invitae Variant Classification Sherloc (09022015). Collection method: clinical testing. Allele origin: germline.
Comment: This sequence change replaces arginine, which is basic and polar, with histidine, which is basic and polar, at codon 130 of the OAS1 protein (p.Arg130His). This variant is present in population databases (no rsID available, gnomAD 0.002%). This variant has not been reported in the literature in individuals affected with OAS1-related conditions. ClinVar contains an entry for this variant (Variation ID: 1385361). An algorithm developed to predict the effect of missense changes on protein structure and function (PolyPhen-2) suggests that this variant is likely to be disruptive. In summary, the available evidence is currently insufficient to determine the role of this variant in disease. Therefore, it has been classified as a Variant of Uncertain Significance.